The following is an entry in ClinVar:

ClinVar aggregate classification (germline): Uncertain significance (1 of 4 stars; one submission).

Submission:

GeneDx
Classification: Uncertain significance. Last evaluated: 2025-06-17. Review status: criteria provided, single submitter. Criteria: GeneDx Variant Classification Process June 2021. Collection method: clinical testing. Allele origin: germline. Affected: yes.
Comment: Not observed at significant frequency in large population cohorts (gnomAD); In silico analysis supports that this missense variant has a deleterious effect on protein structure/function; Has not been previously published as pathogenic or benign to our knowledge

NM_001372044.2(SHANK3):c.2035T>C (p.Phe679Leu)

Genes: SHANK3 (SH3 and multiple ankyrin repeat domains 3; plus strand), LOC126863188 (CDK7 strongly-dependent group 2 enhancer GRCh37_chr22:51142004-51143203; plus strand). Cytogenetic location: 22q13.33.
Variant type: single nucleotide variant.
Coding change: c.2035T>C on transcript NM_001372044.2 (MANE Select); coding-DNA position 2035, T replaced by C.
Protein change: p.Phe679Leu; replaces phenylalanine 679 with leucine.
Molecular consequence: missense variant.
Genome position (GRCh38, 1-based): chr22:50,704,776, T>C. VCF-style: chr22-50704776-T-C. GRCh37 (hg19) VCF-style: chr22-51143204-T-C.
Other names: c.1810T>C (NM_033517.1); short protein forms F679L.
Identifiers: ClinVar variation 1312589 (VCV001312589.3), dbSNP rs2146808085, ClinGen allele CA515256357.
Genomic context (GRCh38, chr22:50,704,776, plus strand): 5'-CCTTCCTAATTGCCCCCCGCAGCAGAGACCCCCATCGAGGAGTTCACGCCCACGCCAGCC[T>C]TCCCGGCGCTGCAGTATCTCGAGTCGGTGGACGTGGAGGGTGTGGCCTGGAGGGCCGGGC-3'
Protein context (NP_001358973.1, residues 669-689): PIEEFTPTPA[Phe679Leu]PALQYLESVD